The following is an entry in ClinVar:

ClinVar aggregate classification (germline): Likely pathogenic (1 of 4 stars; one submission).

Conditions:
Very long chain acyl-CoA dehydrogenase deficiency (ACADVLD). Also called: Very Long-Chain Acyl-Coenzyme A Dehydrogenase Deficiency; VLCAD Deficiency. Identifiers: Orphanet 26793, MedGen C3887523, MONDO:0008723, OMIM 201475.

Submission:

Myriad Genetics, Inc.
Classification: Likely pathogenic for Very long chain acyl-CoA dehydrogenase deficiency. Last evaluated: 2022-03-15. Review status: criteria provided, single submitter. Criteria: Myriad Women's Health Autosomal Recessive and X-Linked Classification Criteria (2021). Collection method: clinical testing. Allele origin: unknown.
Comment: NM_000018.3(ACADVL):c.645T>A(C215*) is expected to be pathogenic in the context of very-long-chain acyl-CoA dehydrogenase deficiency. This variant is predicted to lead to an abnormal or absent protein product due to the creation of a premature termination codon in ACADVL, a gene where loss-of-function variants are known to be pathogenic. Please note: this variant was assessed in the context of healthy population screening.

NM_000018.4(ACADVL):c.645T>A (p.Cys215Ter)

Gene: ACADVL (acyl-CoA dehydrogenase very long chain; plus strand). Cytogenetic location: 17p13.1.
Variant type: single nucleotide variant.
Coding change: c.645T>A on transcript NM_000018.4 (MANE Select); coding-DNA position 645, T replaced by A.
Protein change: p.Cys215Ter; replaces cysteine 215 with a stop codon.
Molecular consequence: nonsense.
Genome position (GRCh38, 1-based): chr17:7,221,974, T>A. VCF-style: chr17-7221974-T-A. GRCh37 (hg19) VCF-style: chr17-7125293-T-A.
Other names: c.579T>A, p.Cys193Ter (NM_001033859.3); c.714T>A, p.Cys238Ter (NM_001270447.2); c.417T>A, p.Cys139Ter (NM_001270448.2); short protein forms C139*, C193*, C215*, C238*.
Identifiers: ClinVar variation 1725290 (VCV001725290.2), dbSNP rs2071252641, ClinGen allele CA397723380.